The following is an entry in ClinVar:

ClinVar aggregate classification (germline): Conflicting classifications of pathogenicity. Review status: criteria provided, conflicting classifications (1 of 4 stars). 5 submissions from 5 submitters: Uncertain significance (2); Likely benign (3). Last evaluated 2025-06-04.

Conditions:
ARID1B-Related Disorder. Identifiers: MedGen CN381337.
Coffin-Siris syndrome 1 (CSS1). Also called: ARID1B-Related Coffin-Siris Syndrome; Mental retardation, autosomal dominant 12. Identifiers: Orphanet 1465, MedGen C3281201, MONDO:0007617, OMIM 135900. Disease mechanism: gain of function.

Allele frequency attached by ClinVar (database versions not stated): gnomAD exomes 0.00002; ExAC 0.00006; gnomAD 0.00006; ESP Exome Variant Server 0.00008; TOPMed 0.00010.
gnomAD v4.1: 41 of 1,613,932 alleles (0.0025%); highest among the groups gnomAD compares: African/African-American, 0.0053%; no homozygotes.

Submissions (5):

Labcorp Genetics (formerly Invitae), Labcorp
Classification: Likely benign. Last evaluated: 2025-06-04. Review status: criteria provided, single submitter. Criteria: Invitae Variant Classification Sherloc (09022015). Collection method: clinical testing. Allele origin: germline.

PreventionGenetics, part of Exact Sciences
Classification: Likely benign for ARID1B-related condition. Last evaluated: 2024-11-22. Review status: criteria provided, single submitter. Criteria: ACMG Guidelines, 2015. Collection method: clinical testing. Allele origin: germline.
Comment: This variant is classified as likely benign based on ACMG/AMP sequence variant interpretation guidelines (Richards et al. 2015 PMID: 25741868, with internal and published modifications).

Institute for Clinical Genetics, University Hospital TU Dresden, University Hospital TU Dresden
Classification: Uncertain significance. Last evaluated: 2021-11-03. Review status: criteria provided, single submitter. Criteria: ACMG Guidelines, 2015. Collection method: clinical testing. Allele origin: germline.

Genome-Nilou Lab
Classification: Uncertain significance for Coffin-Siris syndrome 1. Last evaluated: 2021-07-15. Review status: criteria provided, single submitter. Criteria: ACMG Guidelines, 2015. Collection method: clinical testing. Allele origin: germline. Affected: no.

GeneDx
Classification: Likely benign. Last evaluated: 2015-07-22. Review status: criteria provided, single submitter. Criteria: GeneDx Variant Classification (06012015). Collection method: clinical testing. Allele origin: germline. Affected: yes.
Comment: This variant is considered likely benign or benign based on one or more of the following criteria: it is a conservative change, it occurs at a poorly conserved position in the protein, it is predicted to be benign by multiple in silico algorithms, and/or has population frequency not consistent with disease.

NM_001374828.1(ARID1B):c.5672C>T (p.Pro1891Leu)

Gene: ARID1B (AT-rich interaction domain 1B; plus strand). Cytogenetic location: 6q25.3.
Variant type: single nucleotide variant.
Coding change: c.5672C>T on transcript NM_001374828.1 (MANE Select); coding-DNA position 5672, C replaced by T.
Protein change: p.Pro1891Leu; replaces proline 1891 with leucine.
Molecular consequence: missense variant.
Genome position (GRCh38, 1-based): chr6:157,206,444, C>T. VCF-style: chr6-157206444-C-T. GRCh37 (hg19) VCF-style: chr6-157527578-C-T.
Other names: c.5303C>T, p.Pro1768Leu (NM_020732.3); c.3173C>T, p.Pro1058Leu (NM_001363725.2); c.5552C>T, p.Pro1851Leu (NM_001371656.1, NM_001374820.1); c.5513C>T, p.Pro1838Leu (NM_017519.3); short protein forms P1768L, P1058L, P1838L, P1851L, P1891L.
Identifiers: ClinVar variation 380115 (VCV000380115.10), dbSNP rs142466273, ClinGen allele CA4067880.